The following is an entry in ClinVar:

ClinVar aggregate classification (germline): Uncertain significance (1 of 4 stars; one submission).

Submission:

GeneDx
Classification: Uncertain significance. Last evaluated: 2023-03-15. Review status: criteria provided, single submitter. Criteria: GeneDx Variant Classification Process June 2021. Collection method: clinical testing. Allele origin: germline. Affected: yes.
Comment: Observed in large population cohorts (gnomAD; internal data); In-frame deletion of 1 amino acid in a non-repeat region; In silico analysis supports a deleterious effect on protein structure/function; Has not been previously published as pathogenic or benign to our knowledge

NM_004977.3(KCNC3):c.1671GAA[2] (p.Lys559del)

Gene: KCNC3 (potassium voltage-gated channel subfamily C member 3; minus strand). Cytogenetic location: 19q13.33.
Variant type: Microsatellite.
Coding change: c.1671GAA[2] on transcript NM_004977.3 (MANE Select); two copies in a row of the 3-base unit GAA starting at c.1671; the reference has three copies in a row; one copy, 3 bases deleted.
Protein change: p.Lys559del; deletes lysine 559.
Molecular consequence: inframe deletion.
Genome position (GRCh38, 1-based): chr19:50,323,274-50,323,276, TTC deleted on the plus strand (GAA on the coding strand, the reverse complement: KCNC3 is on the minus strand); deleting any 3 consecutive bases within chr19:50,323,274-50,323,284 gives the same sequence; the position shown is the placement nearest the transcript's 3' end. VCF-style (leftmost placement, unchanged base first): chr19-50323273-GTTC-G. GRCh37 (hg19) VCF-style: chr19-50826530-GTTC-G.
Other names: c.1443GAA[2], p.Lys483del (NM_001372305.1); short protein forms K483del, K559del.
Identifiers: ClinVar variation 2579912 (VCV002579912.1), dbSNP rs773187972, ClinGen allele CA9594198.
Genomic context (GRCh38, chr19:50,323,273, plus strand): 5'-GGGTGGGTCAGGCTTGCAGTAGTTGGGCGAGCCCGGTTGCGGGGGCCGGGGGATGTGTTT[GTTC>G]TTCTTCTTGGGCAGCTTCTGCTTGGCCATGGCCAGCGAATAGTACATGCCAAAGTTGTTG-3'